The following is an entry in ClinVar:

ClinVar aggregate classification (germline): Uncertain significance. Review status: criteria provided, multiple submitters, no conflicts (2 of 4 stars). 2 submissions from 2 submitters: Uncertain significance (2). Last evaluated 2025-11-16.

Conditions:
Tumor predisposition syndrome 3 (TPDS3). Also called: Glioma susceptibility 9; LONG TELOMERE SYNDROME, POT1-RELATED; POT1 Tumor Predisposition; Melanoma, cutaneous malignant, susceptibility to, 10. Identifiers: Orphanet 618, MedGen C4014476, MONDO:0014368, OMIM 615848.
Hereditary cancer-predisposing syndrome. Also called: Tumor predisposition; Hereditary Cancer Syndrome; Hereditary neoplastic syndrome; Neoplastic Syndromes, Hereditary. Identifiers: Orphanet 140162, MedGen C0027672, MeSH D009386, MONDO:0015356.

Allele frequency attached by ClinVar (database versions not stated): gnomAD exomes below 0.00001; TOPMed below 0.00001.
gnomAD v4.1: 14 of 1,612,836 alleles (0.00087%); highest among the groups gnomAD compares: Non-Finnish European, 0.0012%; no homozygotes.

Submissions (2):

Labcorp Genetics (formerly Invitae), Labcorp
Classification: Uncertain significance for Tumor predisposition syndrome 3. Last evaluated: 2025-11-16. Review status: criteria provided, single submitter. Criteria: Invitae Variant Classification Sherloc (09022015). Collection method: clinical testing. Allele origin: germline.
Comment: This sequence change replaces lysine, which is basic and polar, with threonine, which is neutral and polar, at codon 427 of the POT1 protein (p.Lys427Thr). This variant is present in population databases (no rsID available, gnomAD 0.0009%). This missense change has been observed in individual(s) with chronic myelomonocytic leukemia (PMID: 34193977). ClinVar contains an entry for this variant (Variation ID: 818781). Invitae Evidence Modeling of protein sequence and biophysical properties (such as structural, functional, and spatial information, amino acid conservation, physicochemical variation, residue mobility, and thermodynamic stability) indicates that this missense variant is not expected to disrupt POT1 protein function with a negative predictive value of 80%. In summary, the available evidence is currently insufficient to determine the role of this variant in disease. Therefore, it has been classified as a Variant of Uncertain Significance.

Ambry Genetics
Classification: Uncertain significance for Hereditary cancer-predisposing syndrome. Last evaluated: 2025-06-23. Review status: criteria provided, single submitter. Criteria: Ambry Variant Classification Scheme 2023. Collection method: clinical testing. Allele origin: germline.

Literature cited by the submitters: PubMed 34193977 (cited by Labcorp Genetics (formerly Invitae), Labcorp).

NM_015450.3(POT1):c.1280A>C (p.Lys427Thr)

Gene: POT1 (protection of telomeres 1; minus strand). Cytogenetic location: 7q31.33.
Variant type: single nucleotide variant.
Coding change: c.1280A>C on transcript NM_015450.3 (MANE Select); coding-DNA position 1280, A replaced by C.
Protein change: p.Lys427Thr; replaces lysine 427 with threonine.
Molecular consequence: missense variant. On other transcripts: non-coding transcript variant (3).
Genome position (GRCh38, 1-based): chr7:124,841,062, T>G on the plus strand (A>C on the coding strand, the complement: POT1 is on the minus strand). VCF-style: chr7-124841062-T-G. GRCh37 (hg19) VCF-style: chr7-124481116-T-G.
Other names: c.887A>C, p.Lys296Thr (NM_001042594.2); short protein forms K427T, K296T.
Identifiers: ClinVar variation 818781 (VCV000818781.10), dbSNP rs1187946222, ClinGen allele CA369067164.